The following is an entry in ClinVar:

ClinVar aggregate classification (germline): Uncertain significance (1 of 4 stars; one submission).

Conditions:
T-cell immunodeficiency, congenital alopecia, and nail dystrophy. Also called: Congenital alopecia and nail dystrophy associated with severe functional T-cell immunodeficiency; Pignata Guarino syndrome. Identifiers: Orphanet 169095, MedGen C1866426, MONDO:0011132, OMIM 601705.

gnomAD v4.1: 2 of 1,614,116 alleles (0.00012%); highest among the groups gnomAD compares: Non-Finnish European, 0.00017%; no homozygotes.

Submission:

Labcorp Genetics (formerly Invitae), Labcorp
Classification: Uncertain significance for T-cell immunodeficiency, congenital alopecia, and nail dystrophy. Last evaluated: 2023-01-22. Review status: criteria provided, single submitter. Criteria: Invitae Variant Classification Sherloc (09022015). Collection method: clinical testing. Allele origin: germline.
Comment: This variant has not been reported in the literature in individuals affected with FOXN1-related conditions. This variant is not present in population databases (gnomAD no frequency). This sequence change replaces arginine, which is basic and polar, with glutamine, which is neutral and polar, at codon 320 of the FOXN1 protein (p.Arg320Gln). In summary, the available evidence is currently insufficient to determine the role of this variant in disease. Therefore, it has been classified as a Variant of Uncertain Significance. Algorithms developed to predict the effect of missense changes on protein structure and function (SIFT, PolyPhen-2, Align-GVGD) all suggest that this variant is likely to be disruptive.

NM_001369369.1(FOXN1):c.959G>A (p.Arg320Gln)

Gene: FOXN1 (forkhead box N1; plus strand). Cytogenetic location: 17q11.2.
Variant type: single nucleotide variant.
Coding change: c.959G>A on transcript NM_001369369.1 (MANE Select); coding-DNA position 959, G replaced by A.
Protein change: p.Arg320Gln; replaces arginine 320 with glutamine.
Molecular consequence: missense variant.
Genome position (GRCh38, 1-based): chr17:28,534,362, G>A. VCF-style: chr17-28534362-G-A. GRCh37 (hg19) VCF-style: chr17-26861380-G-A.
Other names: c.959G>A, p.Arg320Gln (NM_003593.3); short protein forms R320Q.
Identifiers: ClinVar variation 2875658 (VCV002875658.3), dbSNP rs2508422564, ClinGen allele CA398324485.